The following is an entry in ClinVar:

ClinVar aggregate classification (germline): Benign (0 of 4 stars; one submission).

Conditions:
MDN1-related disorder. Also called: MDN1-related condition.

Allele frequency attached by ClinVar (database versions not stated): ExAC 0.00145; 1000 Genomes Project 0.00399; 1000 Genomes Project 30x 0.00453; gnomAD 0.00512; ESP Exome Variant Server 0.00531; TOPMed 0.00608.
gnomAD v4.1: 1,533 of 1,614,216 alleles (0.095%); highest among the groups gnomAD compares: African/African-American, 1.8%; 10 homozygotes.

Submission:

PreventionGenetics, part of Exact Sciences
Classification: Benign for MDN1-related condition. Last evaluated: 2019-05-31. Review status: no assertion criteria provided. Collection method: clinical testing. Allele origin: germline.
Comment: This variant is classified as benign based on ACMG/AMP sequence variant interpretation guidelines (Richards et al. 2015 PMID: 25741868, with internal and published modifications).

NM_014611.3(MDN1):c.12988C>T (p.Pro4330Ser)

Genes: MDN1 (midasin AAA ATPase 1; minus strand), MDN1-AS1 (MDN1 antisense RNA 1; plus strand). Cytogenetic location: 6q15.
Variant type: single nucleotide variant.
Coding change: c.12988C>T on transcript NM_014611.3 (MANE Select); coding-DNA position 12988, C replaced by T.
Protein change: p.Pro4330Ser; replaces proline 4330 with serine.
Molecular consequence: missense variant.
Genome position (GRCh38, 1-based): chr6:89,674,363, G>A on the plus strand (C>T on the coding strand, the complement: MDN1 is on the minus strand). VCF-style: chr6-89674363-G-A. GRCh37 (hg19) VCF-style: chr6-90384082-G-A.
Other names: short protein forms P4330S.
Identifiers: ClinVar variation 3041550 (VCV003041550.2), dbSNP rs114236310, ClinGen allele CA3922904.